The following is an entry in ClinVar:

ClinVar aggregate classification (germline): Uncertain significance. Review status: criteria provided, multiple submitters, no conflicts (2 of 4 stars). 2 submissions from 2 submitters: Uncertain significance (2). Last evaluated 2024-12-11.

Conditions:
Fanconi anemia complementation group A (FANCA). Also called: FANCA-Related Fanconi Anemia; Fanconi anemia, group A. Identifiers: Orphanet 84, MedGen C3469521, MONDO:0009215, OMIM 227650.

Submissions (2):

Quest Diagnostics Nichols Institute San Juan Capistrano
Classification: Uncertain significance. Last evaluated: 2024-12-11. Review status: criteria provided, single submitter. Criteria: Quest Diagnostics criteria. Collection method: clinical testing. Allele origin: unknown.
Comment: The FANCA c.1132G>C (p.Val378Leu) variant has not been reported in individuals with FANCA-related conditions in the published literature. It also has not been reported in large, multi-ethnic general populations (Genome Aggregation Database). Analysis of this variant using bioinformatics tools for the prediction of the effect of amino acid changes on protein structure and function yielded predictions that this variant is benign. Based on the available information, we are unable to determine the clinical significance of this variant.

Fulgent Genetics
Classification: Uncertain significance for Fanconi anemia complementation group A. Last evaluated: 2024-03-07. Review status: criteria provided, single submitter. Criteria: ACMG Guidelines, 2015. Collection method: clinical testing. Allele origin: germline.

NM_000135.4(FANCA):c.1132G>C (p.Val378Leu)

Gene: FANCA (FA complementation group A; minus strand). Cytogenetic location: 16q24.3.
Variant type: single nucleotide variant.
Coding change: c.1132G>C on transcript NM_000135.4 (MANE Select); coding-DNA position 1132, G replaced by C.
Protein change: p.Val378Leu; replaces valine 378 with leucine.
Molecular consequence: missense variant.
Genome position (GRCh38, 1-based): chr16:89,792,020, C>G on the plus strand (G>C on the coding strand, the complement: FANCA is on the minus strand). VCF-style: chr16-89792020-C-G. GRCh37 (hg19) VCF-style: chr16-89858428-C-G.
Other names: c.1132G>C (NM_000135.3); c.1132G>C, p.Val378Leu (NM_001286167.3); short protein forms V378L.
Identifiers: ClinVar variation 3581551 (VCV003581551.2).